The following is an entry in ClinVar:

NM_001848.3(COL6A1):c.2469G>A (p.Thr823=)

Gene: COL6A1 (collagen type VI alpha 1 chain; plus strand). Cytogenetic location: 21q22.3.
Variant type: single nucleotide variant.
Coding change: c.2469G>A on transcript NM_001848.3 (MANE Select); coding-DNA position 2469, G replaced by A.
Protein change: p.Thr823=; no amino-acid change (threonine 823 retained).
Molecular consequence: synonymous variant.
Genome position (GRCh38, 1-based): chr21:46,003,395, G>A. VCF-style: chr21-46003395-G-A. GRCh37 (hg19) VCF-style: chr21-47423309-G-A.
Other names: p.Thr823=.
Identifiers: ClinVar variation 196949 (VCV000196949.52), dbSNP rs146662894, ClinGen allele CA244779.

ClinVar aggregate classification (germline): Benign/Likely benign. Review status: criteria provided, multiple submitters, no conflicts (2 of 4 stars). 8 submissions from 8 submitters: Benign (1); Likely benign (7). Last evaluated 2026-03-01.

Conditions:
Collagen 6-related myopathy. Identifiers: MedGen CN117976, MONDO:0100225.
Bethlem myopathy 1A. Also called: MYOPATHY, BENIGN CONGENITAL, WITH CONTRACTURES; Bethlem myopathy 1; Bethlem Muscular Dystrophy. Identifiers: Orphanet 610, MedGen CN029274, MONDO:0024530, OMIM 158810.

Allele frequency attached by ClinVar (database versions not stated): 1000 Genomes Project 0.00060; 1000 Genomes Project 30x 0.00062; TOPMed 0.00067; gnomAD exomes 0.00093; ESP Exome Variant Server 0.00102; ExAC 0.00104; gnomAD 0.00112.
gnomAD v4.1: 1,743 of 1,600,540 alleles (0.11%); highest among the groups gnomAD compares: Non-Finnish European, 0.12%; 2 homozygotes.

Submissions (8):

CeGaT Center for Human Genetics Tuebingen
Classification: Likely benign. Last evaluated: 2026-03-01. Review status: criteria provided, single submitter. Criteria: CeGaT Center For Human Genetics Tuebingen Variant Classification Criteria Version 2. Collection method: clinical testing. Allele origin: germline. Affected: yes. Observed: 8 variant alleles.
Comment: COL6A1: BP4, BP7

Labcorp Genetics (formerly Invitae), Labcorp
Classification: Likely benign for Bethlem myopathy 1A. Last evaluated: 2026-01-19. Review status: criteria provided, single submitter. Criteria: Invitae Variant Classification Sherloc (09022015). Collection method: clinical testing. Allele origin: germline.

Mayo Clinic Laboratories, Mayo Clinic
Classification: Likely benign. Last evaluated: 2025-04-25. Review status: criteria provided, single submitter. Criteria: ACMG Guidelines, 2015. Collection method: clinical testing. Allele origin: germline. Observed: 2 variant alleles.
Comment: BS1, BP4, BP7

Blueprint Genetics
Classification: Likely benign. Last evaluated: 2024-11-21. Review status: criteria provided, single submitter. Criteria: ACMG Guidelines, 2015. Collection method: clinical testing. Allele origin: germline.

GeneDx
Classification: Likely benign. Last evaluated: 2018-12-12. Review status: criteria provided, single submitter. Criteria: GeneDx Variant Classification Process June 2021. Collection method: clinical testing. Allele origin: germline. Affected: yes.

Eurofins Ntd Llc (ga)
Classification: Likely benign. Last evaluated: 2018-06-20. Review status: criteria provided, single submitter. Criteria: EGL ClinVar v180209 classification definitions. Collection method: clinical testing. Allele origin: germline. Observed: 13 variant alleles, 12 heterozygotes, 1 homozygote.

Illumina Laboratory Services, Illumina
Classification: Benign for Collagen VI-related myopathy. Last evaluated: 2018-01-13. Review status: criteria provided, single submitter. Criteria: ICSL Variant Classification Criteria 13 December 2019. Collection method: clinical testing. Allele origin: germline.
Comment: This variant was observed in the ICSL laboratory as part of a predisposition screen in an ostensibly healthy population. It had not been previously curated by ICSL or reported in the Human Gene Mutation Database (HGMD: prior to June 1st, 2018), and was therefore a candidate for classification through an automated scoring system. Utilizing variant allele frequency, disease prevalence and penetrance estimates, and inheritance mode, an automated score was calculated to assess if this variant is too frequent to cause the disease. Based on the score and internal cut-off values, a variant classified as benign is not then subjected to further curation. The score for this variant resulted in a classification of benign for this disease.

PreventionGenetics, part of Exact Sciences
Classification: Likely benign. Review status: criteria provided, single submitter. Criteria: ACMG Guidelines, 2015. Collection method: clinical testing. Allele origin: germline.